The following is an entry in ClinVar:

ClinVar aggregate classification (germline): Uncertain significance. Review status: criteria provided, multiple submitters, no conflicts (2 of 4 stars). 4 submissions from 4 submitters: Uncertain significance (4). Last evaluated 2026-01-21.

Conditions:
POLG-related disorder. Also called: POLG-Related Spectrum Disorders; POLG-related condition; POLG-Related Disorders. Identifiers: MedGen C4763519.
Progressive sclerosing poliodystrophy (MTDPS4A). Also called: Mitochondrial DNA Depletion Syndrome 4A; Mitochondrial DNA depletion syndrome 4A (Alpers type); NEURONAL DEGENERATION OF CHILDHOOD WITH LIVER DISEASE, PROGRESSIVE; Alpers-Huttenlocher Syndrome (AHS); ALPERS PROGRESSIVE INFANTILE POLIODYSTROPHY; Alpers Syndrome. Identifiers: Orphanet 726, MedGen C0205710, MONDO:0008758, OMIM 203700.

gnomAD v4.1: 2 of 1,614,168 alleles (0.00012%); highest among the groups gnomAD compares: Non-Finnish European, 0.00017%; no homozygotes.

Submissions (4):

Myriad Genetics, Inc.
Classification: Uncertain significance for POLG-related disorder. Last evaluated: 2026-01-21. Review status: criteria provided, single submitter. Criteria: Myriad Autosomal Dominant, Autosomal Recessive and X-Linked Classification Criteria (2023). Collection method: clinical testing. Allele origin: unknown.
Comment: NM_002693.2(POLG):c.3235A>C(I1079L) is a missense variant classified as a variant of uncertain significance in the context of POLG-related disorders. I1079L has been observed in a case with relevant disease (PMID: 18546365). Relevant functional assessments of this variant are not available in the literature. I1079L has not been observed in referenced population frequency databases. In summary, there is insufficient evidence to classify NM_002693.2(POLG):c.3235A>C(I1079L) as pathogenic or benign. Please note: this variant was assessed in the context of healthy population screening.

Labcorp Genetics (formerly Invitae), Labcorp
Classification: Uncertain significance for Progressive sclerosing poliodystrophy. Last evaluated: 2025-01-23. Review status: criteria provided, single submitter. Criteria: Invitae Variant Classification Sherloc (09022015). Collection method: clinical testing. Allele origin: germline.
Comment: This sequence change replaces isoleucine, which is neutral and non-polar, with leucine, which is neutral and non-polar, at codon 1079 of the POLG protein (p.Ile1079Leu). This variant is present in population databases (rs756393846, gnomAD 0.0009%). This missense change has been observed in individual(s) with autosomal dominant progressive external ophthalmoplegia (PMID: 18546365). ClinVar contains an entry for this variant (Variation ID: 619337). Invitae Evidence Modeling of protein sequence and biophysical properties (such as structural, functional, and spatial information, amino acid conservation, physicochemical variation, residue mobility, and thermodynamic stability) indicates that this missense variant is not expected to disrupt POLG protein function with a negative predictive value of 95%. In summary, the available evidence is currently insufficient to determine the role of this variant in disease. Therefore, it has been classified as a Variant of Uncertain Significance.

CeGaT Center for Human Genetics Tuebingen
Classification: Uncertain significance. Last evaluated: 2023-08-01. Review status: criteria provided, single submitter. Criteria: CeGaT Center For Human Genetics Tuebingen Variant Classification Criteria Version 2. Collection method: clinical testing. Allele origin: germline. Affected: yes. Observed: 1 variant allele.
Comment: POLG: PM2, PS4:Supporting

Wong Mito Lab, Molecular and Human Genetics, Baylor College of Medicine
Classification: Uncertain significance for Progressive sclerosing poliodystrophy. Last evaluated: 2018-10-01. Review status: criteria provided, single submitter. Criteria: ACMG Guidelines, 2015. Collection method: clinical testing. Allele origin: germline.
Comment: The NM_002693.2:c.3235A>C (NP_002684.1:p.Ile1079Leu) [GRCH38: NC_000015.10:g.89318969T>G] variant in POLG gene is interpretated to be a Uncertain Significance based on ACMG guidelines (PMID: 25741868). This variant meets the following evidence codes reported in the ACMG-guideline. BP4:Computational evidence/predictors indicate no impact on the POLG structure, function, or protein-protein interaction. Based on the evidence criteria codes applied, the variant is suggested to be Uncertain Significance.

Literature cited by the submitters: PubMed 18546365 (cited by Myriad Genetics, Inc. and Labcorp Genetics (formerly Invitae), Labcorp).

NM_002693.3(POLG):c.3235A>C (p.Ile1079Leu)

Gene: POLG (DNA polymerase gamma, catalytic subunit; minus strand). Cytogenetic location: 15q26.1.
Variant type: single nucleotide variant.
Coding change: c.3235A>C on transcript NM_002693.3 (MANE Select); coding-DNA position 3235, A replaced by C.
Protein change: p.Ile1079Leu; replaces isoleucine 1079 with leucine.
Molecular consequence: missense variant.
Genome position (GRCh38, 1-based): chr15:89,318,969, T>G on the plus strand (A>C on the coding strand, the complement: POLG is on the minus strand). VCF-style: chr15-89318969-T-G. GRCh37 (hg19) VCF-style: chr15-89862200-T-G.
Other names: c.3235A>C, p.Ile1079Leu (NM_001126131.2); short protein forms I1079L.
Identifiers: ClinVar variation 619337 (VCV000619337.29), dbSNP rs756393846, ClinGen allele CA7724200.